The following is an entry in ClinVar:

NC_000005.10:g.51382732T>C

Gene: ISL1-DT (ISL1 divergent transcript; minus strand). Cytogenetic location: 5q11.1.
Variant type: single nucleotide variant.
Genome position: GRCh38 VCF-style: chr5-51382732-T-C. GRCh37 (hg19) VCF-style: chr5-50678566-T-C.
Identifiers: ClinVar variation 5041338 (VCV005041338.1).

ClinVar aggregate classification (germline): Likely benign (1 of 4 stars; one submission).

Submission:

CeGaT Center for Human Genetics Tuebingen
Classification: Likely benign. Last evaluated: 2026-09-01. Review status: criteria provided, single submitter. Criteria: CeGaT Center For Human Genetics Tuebingen Variant Classification Criteria Version 2. Collection method: clinical testing. Allele origin: germline. Affected: yes. Observed: 1 variant allele.
Comment: ISL1-DT: BS2